The following is an entry in ClinVar:

ClinVar aggregate classification (germline): Uncertain significance (1 of 4 stars; one submission).

Allele frequency attached by ClinVar (database versions not stated): TOPMed 0.00001.

Submission:

Ambry Genetics
Classification: Uncertain significance. Last evaluated: 2024-07-03. Review status: criteria provided, single submitter. Criteria: Ambry Variant Classification Scheme 2023. Collection method: clinical testing. Allele origin: germline.
Comment: The p.M5T variant (also known as c.14T>C), located in coding exon 1 of the TERF2IP gene, results from a T to C substitution at nucleotide position 14. The methionine at codon 5 is replaced by threonine, an amino acid with similar properties. This amino acid position is conserved. In addition, this alteration is predicted to be tolerated by in silico analysis. Since supporting evidence is limited at this time, the clinical significance of this alteration remains unclear.

NM_018975.4(TERF2IP):c.14T>C (p.Met5Thr)

Gene: TERF2IP (TERF2 interacting protein; plus strand). Cytogenetic location: 16q23.1.
Variant type: single nucleotide variant.
Coding change: c.14T>C on transcript NM_018975.4 (MANE Select); coding-DNA position 14, T replaced by C.
Protein change: p.Met5Thr; replaces methionine 5 with threonine.
Molecular consequence: missense variant. On other transcripts: non-coding transcript variant (1).
Genome position (GRCh38, 1-based): chr16:75,647,896, T>C. VCF-style: chr16-75647896-T-C. GRCh37 (hg19) VCF-style: chr16-75681794-T-C.
Other names: short protein forms M5T.
Identifiers: ClinVar variation 1773988 (VCV001773988.3), dbSNP rs1416662839, ClinGen allele CA396817045.